The following is an entry in ClinVar:

NC_000014.8:g.(?_67525346)_(67567648_?)del

Gene: GPHN (gephyrin; plus strand). Cytogenetic location: 14q23.3.
Variant type: Deletion.
Identifiers: ClinVar variation 1459461 (VCV001459461.6).

ClinVar aggregate classification (germline): Pathogenic (1 of 4 stars; one submission).

Conditions:
Sulfite oxidase deficiency due to molybdenum cofactor deficiency type C. Also called: Molybdenum cofactor deficiency C; Molybdenum cofactor deficiency, complementation group C. Identifiers: Orphanet 308400, Orphanet 833, MedGen C1854990, MONDO:0014212, OMIM 615501.

Submission:

Labcorp Genetics (formerly Invitae), Labcorp
Classification: Pathogenic for Sulfite oxidase deficiency due to molybdenum cofactor deficiency type C. Last evaluated: 2021-06-05. Review status: criteria provided, single submitter. Criteria: Invitae Variant Classification Sherloc (09022015). Collection method: clinical testing. Allele origin: germline.
Comment: For these reasons, this variant has been classified as Pathogenic. This variant has not been reported in the literature in individuals with GPHN-related conditions. This variant is a gross deletion of the genomic region encompassing exon(s) 11-13 of the GPHN gene. This deletion is out-of-frame, and is expected to create a premature translational stop signal and result in an absent or disrupted protein product. Loss-of-function variants in GPHN are known to be pathogenic (PMID: 11095995, 23184456, 23393157).

Literature cited by the submitters: PubMed 11095995; PubMed 23184456; PubMed 23393157.